The following is an entry in ClinVar:

ClinVar aggregate classification (germline): Uncertain significance (1 of 4 stars; one submission).

gnomAD v4.1: 10 of 1,614,222 alleles (0.00062%); highest among the groups gnomAD compares: South Asian, 0.0011%; no homozygotes.

Submission:

Labcorp Genetics (formerly Invitae), Labcorp
Classification: Uncertain significance. Last evaluated: 2024-11-25. Review status: criteria provided, single submitter. Criteria: Invitae Variant Classification Sherloc (09022015). Collection method: clinical testing. Allele origin: germline.
Comment: This sequence change replaces isoleucine, which is neutral and non-polar, with threonine, which is neutral and polar, at codon 1650 of the IGSF10 protein (p.Ile1650Thr). This variant is present in population databases (rs773820268, gnomAD 0.006%). This variant has not been reported in the literature in individuals affected with IGSF10-related conditions. An algorithm developed to predict the effect of missense changes on protein structure and function (PolyPhen-2) suggests that this variant is likely to be disruptive. In summary, the available evidence is currently insufficient to determine the role of this variant in disease. Therefore, it has been classified as a Variant of Uncertain Significance.

NM_178822.5(IGSF10):c.4949T>C (p.Ile1650Thr)

Gene: IGSF10 (immunoglobulin superfamily member 10; minus strand). Cytogenetic location: 3q25.1.
Variant type: single nucleotide variant.
Coding change: c.4949T>C on transcript NM_178822.5 (MANE Select); coding-DNA position 4949, T replaced by C.
Protein change: p.Ile1650Thr; replaces isoleucine 1650 with threonine.
Molecular consequence: missense variant.
Genome position (GRCh38, 1-based): chr3:151,445,032, A>G on the plus strand (T>C on the coding strand, the complement: IGSF10 is on the minus strand). VCF-style: chr3-151445032-A-G. GRCh37 (hg19) VCF-style: chr3-151162820-A-G.
Other names: c.4949T>C, p.Ile1650Thr (NM_001385060.1, NM_001385061.1, NM_001385062.1 and 1 more transcripts); short protein forms I1650T.
Identifiers: ClinVar variation 3626702 (VCV003626702.2).